The following is an entry in ClinVar:

ClinVar aggregate classification (germline): Uncertain significance. Review status: criteria provided, multiple submitters, no conflicts (2 of 4 stars). 2 submissions from 2 submitters: Uncertain significance (2). Last evaluated 2025-09-30.

Conditions:
Familial thoracic aortic aneurysm and aortic dissection (TAAD). Also called: Thoracic aortic aneurysms and dissections. Identifiers: Orphanet 91387, MedGen C4707243, MONDO:0019625.
Congenital contractural arachnodactyly (CCA). Also called: BEALS SYNDROME; Arthrogryposis, distal, type 9; Beals-Hecht syndrome. Identifiers: Orphanet 115, MedGen C0220668, MONDO:0007363, OMIM 121050.

Submissions (2):

Labcorp Genetics (formerly Invitae), Labcorp
Classification: Uncertain significance for Congenital contractural arachnodactyly. Last evaluated: 2025-09-30. Review status: criteria provided, single submitter. Criteria: Invitae Variant Classification Sherloc (09022015). Collection method: clinical testing. Allele origin: germline.
Comment: This sequence change replaces alanine, which is neutral and non-polar, with serine, which is neutral and polar, at codon 1423 of the FBN2 protein (p.Ala1423Ser). This variant is not present in population databases (gnomAD no frequency). This variant has not been reported in the literature in individuals affected with FBN2-related conditions. ClinVar contains an entry for this variant (Variation ID: 1739212). Invitae Evidence Modeling of protein sequence and biophysical properties (such as structural, functional, and spatial information, amino acid conservation, physicochemical variation, residue mobility, and thermodynamic stability) indicates that this missense variant is not expected to disrupt FBN2 protein function with a negative predictive value of 80%. In summary, the available evidence is currently insufficient to determine the role of this variant in disease. Therefore, it has been classified as a Variant of Uncertain Significance.

Ambry Genetics
Classification: Uncertain significance for Familial thoracic aortic aneurysm and aortic dissection. Last evaluated: 2018-12-07. Review status: criteria provided, single submitter. Criteria: Ambry Variant Classification Scheme 2023. Collection method: clinical testing. Allele origin: germline.
Comment: The p.A1423S variant (also known as c.4267G>T), located in coding exon 33 of the FBN2 gene, results from a G to T substitution at nucleotide position 4267. The alanine at codon 1423 is replaced by serine, an amino acid with similar properties, and is located in a cbEGF-like domain. This amino acid position is highly conserved in available vertebrate species. In addition, this alteration is predicted to be deleterious by in silico analysis. Since supporting evidence is limited at this time, the clinical significance of this alteration remains unclear.

NM_001999.4(FBN2):c.4267G>T (p.Ala1423Ser)

Gene: FBN2 (fibrillin 2; minus strand). Cytogenetic location: 5q23.3.
Variant type: single nucleotide variant.
Coding change: c.4267G>T on transcript NM_001999.4 (MANE Select); coding-DNA position 4267, G replaced by T.
Protein change: p.Ala1423Ser; replaces alanine 1423 with serine.
Molecular consequence: missense variant.
Genome position (GRCh38, 1-based): chr5:128,330,651, C>A on the plus strand (G>T on the coding strand, the complement: FBN2 is on the minus strand). VCF-style: chr5-128330651-C-A. GRCh37 (hg19) VCF-style: chr5-127666343-C-A.
Other names: short protein forms A1423S.
Identifiers: ClinVar variation 1739212 (VCV001739212.3), dbSNP rs1393626869, ClinGen allele CA360754113.